The following is an entry in ClinVar:

ClinVar aggregate classification (germline): Uncertain significance (1 of 4 stars; one submission).

Allele frequency attached by ClinVar (database versions not stated): gnomAD 0.00001; TOPMed 0.00001; gnomAD exomes 0.00002; ExAC 0.00004; ESP Exome Variant Server 0.00008.
gnomAD v4.1: 28 of 1,613,272 alleles (0.0017%); highest among the groups gnomAD compares: Non-Finnish European, 0.0022%; no homozygotes.

Submission:

Labcorp Genetics (formerly Invitae), Labcorp
Classification: Uncertain significance. Last evaluated: 2021-11-19. Review status: criteria provided, single submitter. Criteria: Invitae Variant Classification Sherloc (09022015). Collection method: clinical testing. Allele origin: germline.
Comment: In summary, the available evidence is currently insufficient to determine the role of this variant in disease. Therefore, it has been classified as a Variant of Uncertain Significance. Algorithms developed to predict the effect of missense changes on protein structure and function are either unavailable or do not agree on the potential impact of this missense change (SIFT: "Deleterious"; PolyPhen-2: "Benign"; Align-GVGD: "Class C0"). This variant has not been reported in the literature in individuals affected with PITPNM3-related conditions. This variant is present in population databases (rs371139434, gnomAD 0.007%). This sequence change replaces arginine, which is basic and polar, with cysteine, which is neutral and slightly polar, at codon 513 of the PITPNM3 protein (p.Arg513Cys).

NM_031220.4(PITPNM3):c.1537C>T (p.Arg513Cys)

Gene: PITPNM3 (PITPNM family member 3; minus strand). Cytogenetic location: 17p13.2.
Variant type: single nucleotide variant.
Coding change: c.1537C>T on transcript NM_031220.4 (MANE Select); coding-DNA position 1537, C replaced by T.
Protein change: p.Arg513Cys; replaces arginine 513 with cysteine.
Molecular consequence: missense variant.
Genome position (GRCh38, 1-based): chr17:6,471,248, G>A on the plus strand (C>T on the coding strand, the complement: PITPNM3 is on the minus strand). VCF-style: chr17-6471248-G-A. GRCh37 (hg19) VCF-style: chr17-6374568-G-A.
Other names: c.1429C>T, p.Arg477Cys (NM_001165966.2); short protein forms R513C, R477C.
Identifiers: ClinVar variation 1480562 (VCV001480562.6), dbSNP rs371139434, ClinGen allele CA8329482.